The following is an entry in ClinVar:

NM_007294.4(BRCA1):c.5430G>T (p.Val1810=)

Gene: BRCA1 (BRCA1 DNA repair associated; minus strand). Cytogenetic location: 17q21.31.
Variant type: single nucleotide variant.
Coding change: c.5430G>T on transcript NM_007294.4 (MANE Select); coding-DNA position 5430, G replaced by T.
Protein change: p.Val1810=; no amino-acid change (valine 1810 retained).
Molecular consequence: synonymous variant. On other transcripts: missense variant (17).
Genome position (GRCh38, 1-based): chr17:43,047,680, C>A on the plus strand (G>T on the coding strand, the complement: BRCA1 is on the minus strand). VCF-style: chr17-43047680-C-A. GRCh37 (hg19) VCF-style: chr17-41199697-C-A.
Other names: c.5217G>T, p.Val1739= (NM_001407571.1, NM_001407896.1, NM_001407897.1 and 12 more transcripts); c.5496G>T, p.Val1832= (NM_001407581.1, NM_001407582.1); c.5493G>T, p.Val1831= (NM_001407583.1, NM_001407585.1, NM_001407587.1 and 1 more transcripts); c.5490G>T, p.Val1830= (NM_001407590.1, NM_001407591.1); c.5430G>T, p.Val1810= (NM_001407593.1, NM_001407594.1, NM_001407596.1 and 5 more transcripts); c.5427G>T, p.Val1809= (NM_001407610.1, NM_001407611.1, NM_001407612.1 and 14 more transcripts); c.5424G>T, p.Val1808= (NM_001407627.1, NM_001407628.1, NM_001407629.1 and 13 more transcripts); c.5421G>T, p.Val1807= (NM_001407644.1, NM_001407645.1); and 83 more; short protein forms A682S, A1744S, A1784S, A1785S, A1739S, A681S, A1738S, A1743S.
Identifiers: ClinVar variation 865491 (VCV000865491.3), dbSNP rs786201582, ClinGen allele CA10590575.

Conditions:
Breast-ovarian cancer, familial, susceptibility to, 1 (BROVCA1). Also called: BRCA1 Hereditary Breast and Ovarian Cancer; OVARIAN CANCER, SUSCEPTIBILITY TO. Identifiers: Orphanet 145, MedGen C2676676, MONDO:0011450, OMIM 604370. Disease mechanism: loss of function.

Submission:

Brotman Baty Institute, University of Washington
No classification provided (evidence only). Condition: Breast-ovarian cancer, familial 1. Review status: no classification provided. Collection method: in vitro. Allele origin: not applicable. Functional consequence: functionally_normal.
ClinVar note: "not provided" was previously submitted as the classification for the variant. However, the classification appeared to be based only on an observation of functional data so it was converted to no classification on 2025-07-30.